The following is an entry in ClinVar:

ClinVar aggregate classification (germline): Uncertain significance (1 of 4 stars; one submission).

Allele frequency attached by ClinVar (database versions not stated): TOPMed below 0.00001.

Submission:

Labcorp Genetics (formerly Invitae), Labcorp
Classification: Uncertain significance. Last evaluated: 2022-09-01. Review status: criteria provided, single submitter. Criteria: Invitae Variant Classification Sherloc (09022015). Collection method: clinical testing. Allele origin: germline.
Comment: In summary, the available evidence is currently insufficient to determine the role of this variant in disease. Therefore, it has been classified as a Variant of Uncertain Significance. Advanced modeling of protein sequence and biophysical properties (such as structural, functional, and spatial information, amino acid conservation, physicochemical variation, residue mobility, and thermodynamic stability) performed at Invitae indicates that this missense variant is not expected to disrupt ADGRG1 protein function. This variant has not been reported in the literature in individuals affected with ADGRG1-related conditions. This variant is not present in population databases (gnomAD no frequency). This sequence change replaces serine, which is neutral and polar, with phenylalanine, which is neutral and non-polar, at codon 80 of the ADGRG1 protein (p.Ser80Phe).

NM_201525.4(ADGRG1):c.239C>T (p.Ser80Phe)

Gene: ADGRG1 (adhesion G protein-coupled receptor G1; plus strand). Cytogenetic location: 16q21.
Variant type: single nucleotide variant.
Coding change: c.239C>T on transcript NM_201525.4 (MANE Select); coding-DNA position 239, C replaced by T.
Protein change: p.Ser80Phe; replaces serine 80 with phenylalanine.
Molecular consequence: missense variant. On other transcripts: 5 prime UTR variant (5), intron variant (1).
Genome position (GRCh38, 1-based): chr16:57,651,374, C>T. VCF-style: chr16-57651374-C-T. GRCh37 (hg19) VCF-style: chr16-57685286-C-T.
Other names: c.239C>T, p.Ser80Phe (NM_001145770.3, NM_001145771.3, NM_001145772.3 and 16 more transcripts); c.254C>T, p.Ser85Phe (NM_001145773.3, NM_001370433.1); c.-287C>T (NM_001290143.2, NM_001290144.2, NM_001370451.1 and 2 more transcripts); c.83C>T, p.Ser28Phe (NM_001370442.1); c.110+129C>T (NM_001290142.2); short protein forms S80F, S85F, S28F.
Identifiers: ClinVar variation 1945725 (VCV001945725.5), dbSNP rs866121148, ClinGen allele CA281572715.